The following is an entry in ClinVar:

ClinVar aggregate classification (germline): Uncertain significance (1 of 4 stars; one submission).

gnomAD v4.1: 2 of 1,208,166 alleles (0.00017%); highest among the groups gnomAD compares: Admixed American, 0.0022%; no homozygotes.

Submission:

GeneDx
Classification: Uncertain significance. Last evaluated: 2024-09-19. Review status: criteria provided, single submitter. Criteria: GeneDx Variant Classification Process June 2021. Collection method: clinical testing. Allele origin: germline. Affected: yes.
Comment: Not observed at significant frequency in large population cohorts (gnomAD); In silico analysis supports that this missense variant has a deleterious effect on protein structure/function; Has not been previously published as pathogenic or benign to our knowledge

NM_001039591.3(USP9X):c.692T>C (p.Leu231Ser)

Gene: USP9X (ubiquitin specific peptidase 9 X-linked; plus strand). Cytogenetic location: Xp11.4.
Variant type: single nucleotide variant.
Coding change: c.692T>C on transcript NM_001039591.3 (MANE Select); coding-DNA position 692, T replaced by C.
Protein change: p.Leu231Ser; replaces leucine 231 with serine.
Molecular consequence: missense variant.
Genome position (GRCh38, 1-based): chrX:41,140,693, T>C. VCF-style: chrX-41140693-T-C. GRCh37 (hg19) VCF-style: chrX-40999946-T-C.
Other names: c.692T>C, p.Leu231Ser (NM_001039590.3, NM_001410748.1, NM_001410749.1); short protein forms L231S.
Identifiers: ClinVar variation 3774632 (VCV003774632.1).